The following is an entry in ClinVar:

NM_001080449.3(DNA2):c.2381del (p.Leu794fs)

Gene: DNA2 (DNA replication helicase/nuclease 2; minus strand). Cytogenetic location: 10q21.3.
Variant type: Deletion.
Coding change: c.2381del on transcript NM_001080449.3 (MANE Select); coding-DNA position 2381, one base deleted (T; older notation c.2381delT).
Protein change: p.Leu794fs; shifts the reading frame from leucine 794.
Molecular consequence: frameshift variant. On other transcripts: non-coding transcript variant (1).
Genome position (GRCh38, 1-based): chr10:68,422,718, A deleted on the plus strand (T on the coding strand, the reverse complement: DNA2 is on the minus strand). VCF-style (leftmost placement, unchanged base first): chr10-68422717-CA-C. GRCh37 (hg19) VCF-style: chr10-70182474-CA-C.
Other names: short protein forms L794fs.
Identifiers: ClinVar variation 1464579 (VCV001464579.7), dbSNP rs2051681654, ClinGen allele CA1917328357.

ClinVar aggregate classification (germline): Conflicting classifications of pathogenicity. Review status: criteria provided, conflicting classifications (1 of 4 stars). 2 submissions from 2 submitters: Likely pathogenic (1); Uncertain significance (1). Last evaluated 2025-07-10.

Conditions:
Rothmund-Thomson syndrome type 4. Identifiers: MedGen C5935619, MONDO:0970950, OMIM 620819.

Allele frequency attached by ClinVar (database versions not stated): TOPMed below 0.00001; gnomAD exomes below 0.00001.

Submissions (2):

3billion
Classification: Likely pathogenic for Rothmund-Thomson syndrome type 4. Last evaluated: 2025-07-10. Review status: criteria provided, single submitter. Criteria: ACMG Guidelines, 2015. Collection method: clinical testing. Allele origin: germline. Affected: yes.
Comment: The variant is observed at an extremely low frequency in the gnomAD v4.1.0 dataset (total allele frequency: <0.001%). Predicted Consequence/Location: Frameshift: predicted to result in a loss or disruption of normal protein function through nonsense-mediated decay (NMD) or protein truncation. Multiple pathogenic variants are reported downstream of the variant. The variant has been reported as of uncertain significance (ClinVar ID: VCV001464579). Therefore, this variant is classified as Likely pathogenic according to the recommendation of ACMG/AMP guideline.

Labcorp Genetics (formerly Invitae), Labcorp
Classification: Uncertain significance. Last evaluated: 2023-08-30. Review status: criteria provided, single submitter. Criteria: Invitae Variant Classification Sherloc (09022015). Collection method: clinical testing. Allele origin: germline.
Comment: In summary, the available evidence is currently insufficient to determine the role of this variant in disease. Therefore, it has been classified as a Variant of Uncertain Significance. ClinVar contains an entry for this variant (Variation ID: 1464579). This variant has not been reported in the literature in individuals affected with DNA2-related conditions. This variant is not present in population databases (gnomAD no frequency). This sequence change creates a premature translational stop signal (p.Leu794Argfs*3) in the DNA2 gene. It is expected to result in an absent or disrupted protein product. However, the current clinical and genetic evidence is not sufficient to establish whether loss-of-function variants in DNA2 cause disease.